The following is an entry in ClinVar:

ClinVar aggregate classification (germline): Uncertain significance. Review status: criteria provided, multiple submitters, no conflicts (2 of 4 stars). 2 submissions from 2 submitters: Uncertain significance (2). Last evaluated 2025-06-19.

Conditions:
Inborn genetic diseases. Identifiers: MedGen C0950123, MeSH D030342.

Allele frequency attached by ClinVar (database versions not stated): gnomAD exomes 0.00003 and 0.00004; ExAC 0.00004; TOPMed 0.00015; gnomAD 0.00019.
gnomAD v4.1: 68 of 1,613,994 alleles (0.0042%); highest among the groups gnomAD compares: African/African-American, 0.041%; no homozygotes.

Submissions (2):

Ambry Genetics
Classification: Uncertain significance for Inborn genetic diseases. Last evaluated: 2025-06-19. Review status: criteria provided, single submitter. Criteria: Ambry Variant Classification Scheme 2023. Collection method: clinical testing. Allele origin: germline.

Labcorp Genetics (formerly Invitae), Labcorp
Classification: Uncertain significance. Last evaluated: 2024-10-25. Review status: criteria provided, single submitter. Criteria: Invitae Variant Classification Sherloc (09022015). Collection method: clinical testing. Allele origin: germline.
Comment: This sequence change replaces arginine, which is basic and polar, with cysteine, which is neutral and slightly polar, at codon 711 of the AARS2 protein (p.Arg711Cys). This variant is present in population databases (rs758466937, gnomAD 0.02%). This missense change has been observed in individual(s) with clinical features of AARS2-related conditions (PMID: 35066699). ClinVar contains an entry for this variant (Variation ID: 1421263). Invitae Evidence Modeling of protein sequence and biophysical properties (such as structural, functional, and spatial information, amino acid conservation, physicochemical variation, residue mobility, and thermodynamic stability) indicates that this missense variant is expected to disrupt AARS2 protein function with a positive predictive value of 80%. In summary, the available evidence is currently insufficient to determine the role of this variant in disease. Therefore, it has been classified as a Variant of Uncertain Significance.

Literature cited by the submitters: PubMed 35066699 (cited by Labcorp Genetics (formerly Invitae), Labcorp).

NM_020745.4(AARS2):c.2131C>T (p.Arg711Cys)

Gene: AARS2 (alanyl-tRNA synthetase 2, mitochondrial; minus strand). Cytogenetic location: 6p21.1.
Variant type: single nucleotide variant.
Coding change: c.2131C>T on transcript NM_020745.4 (MANE Select); coding-DNA position 2131, C replaced by T.
Protein change: p.Arg711Cys; replaces arginine 711 with cysteine.
Molecular consequence: missense variant.
Genome position (GRCh38, 1-based): chr6:44,303,300, G>A on the plus strand (C>T on the coding strand, the complement: AARS2 is on the minus strand). VCF-style: chr6-44303300-G-A. GRCh37 (hg19) VCF-style: chr6-44271037-G-A.
Other names: short protein forms R711C.
Identifiers: ClinVar variation 1421263 (VCV001421263.9), dbSNP rs758466937, ClinGen allele CA3834101.